The following is an entry in ClinVar:

ClinVar aggregate classification (germline): Likely benign (1 of 4 stars; one submission).

gnomAD v4.1: 6 of 1,614,172 alleles (0.00037%); highest among the groups gnomAD compares: Middle Eastern, 0.017%; no homozygotes.

Submission:

Laboratorio de Genetica e Diagnostico Molecular, Hospital Israelita Albert Einstein
Classification: Likely benign. Last evaluated: 2020-07-11. Review status: criteria provided, single submitter. Criteria: ACMG Guidelines, 2015. Collection method: clinical testing. Allele origin: germline. Affected: yes.
Comment: ACMG classification criteria: PM2, BP1, BP4

NM_015346.4(ZFYVE26):c.88G>C (p.Glu30Gln)

Gene: ZFYVE26 (zinc finger FYVE-type containing 26; minus strand). Cytogenetic location: 14q24.1.
Variant type: single nucleotide variant.
Coding change: c.88G>C on transcript NM_015346.4 (MANE Select); coding-DNA position 88, G replaced by C.
Protein change: p.Glu30Gln; replaces glutamic acid 30 with glutamine.
Molecular consequence: missense variant.
Genome position (GRCh38, 1-based): chr14:67,815,876, C>G on the plus strand (G>C on the coding strand, the complement: ZFYVE26 is on the minus strand). VCF-style: chr14-67815876-C-G. GRCh37 (hg19) VCF-style: chr14-68282593-C-G.
Other names: short protein forms E30Q.
Identifiers: ClinVar variation 1690913 (VCV001690913.2), dbSNP rs922838196, ClinGen allele CA262816230.